The following is an entry in ClinVar:

NM_004100.5(EYA4):c.542A>G (p.Tyr181Cys)

Gene: EYA4 (EYA transcriptional coactivator and phosphatase 4; plus strand). Cytogenetic location: 6q23.2.
Variant type: single nucleotide variant.
Coding change: c.542A>G on transcript NM_004100.5 (MANE Select); coding-DNA position 542, A replaced by G.
Protein change: p.Tyr181Cys; replaces tyrosine 181 with cysteine.
Molecular consequence: missense variant.
Genome position (GRCh38, 1-based): chr6:133,462,439, A>G. VCF-style: chr6-133462439-A-G. GRCh37 (hg19) VCF-style: chr6-133783577-A-G.
Other names: c.380A>G, p.Tyr127Cys (NM_001301012.2, NM_001370459.1); c.542A>G, p.Tyr181Cys (NM_001301013.2, NM_172105.4); c.473A>G, p.Tyr158Cys (NM_001370458.1, NM_172103.4); c.542A>G (NM_004100.4); short protein forms Y127C, Y181C, Y158C.
Identifiers: ClinVar variation 1934825 (VCV001934825.6), dbSNP rs1794479159, ClinGen allele CA365698278.

ClinVar aggregate classification (germline): Uncertain significance. Review status: criteria provided, multiple submitters, no conflicts (2 of 4 stars). 2 submissions from 2 submitters: Uncertain significance (2). Last evaluated 2025-09-17.

Conditions:
Cardiovascular phenotype. Identifiers: MedGen CN230736.
Dilated cardiomyopathy 1J (CMD1J). Also called: CARDIOMYOPATHY, DILATED, WITH SENSORINEURAL HEARING LOSS, AUTOSOMAL DOMINANT. Identifiers: Orphanet 217622, MedGen C1854368, MONDO:0011541, OMIM 605362.

gnomAD v4.1: 1 of 1,614,056 alleles (0.000062%); highest among the groups gnomAD compares: Non-Finnish European, 0.000085%; no homozygotes.

Submissions (2):

Ambry Genetics
Classification: Uncertain significance for Cardiovascular phenotype. Last evaluated: 2025-09-17. Review status: criteria provided, single submitter. Criteria: Ambry Variant Classification Scheme 2023. Collection method: clinical testing. Allele origin: germline.
Comment: The p.Y181C variant (also known as c.542A>G), located in coding exon 7 of the EYA4 gene, results from an A to G substitution at nucleotide position 542. The tyrosine at codon 181 is replaced by cysteine, an amino acid with highly dissimilar properties. This amino acid position is conserved. In addition, this alteration is predicted to be deleterious by in silico analysis. Based on the available evidence, the clinical significance of this variant remains unclear.

Labcorp Genetics (formerly Invitae), Labcorp
Classification: Uncertain significance for Dilated cardiomyopathy 1J. Last evaluated: 2022-01-04. Review status: criteria provided, single submitter. Criteria: Invitae Variant Classification Sherloc (09022015). Collection method: clinical testing. Allele origin: germline.
Comment: In summary, the available evidence is currently insufficient to determine the role of this variant in disease. Therefore, it has been classified as a Variant of Uncertain Significance. Algorithms developed to predict the effect of missense changes on protein structure and function (SIFT, PolyPhen-2, Align-GVGD) all suggest that this variant is likely to be disruptive. This variant has not been reported in the literature in individuals affected with EYA4-related conditions. This variant is not present in population databases (gnomAD no frequency). This sequence change replaces tyrosine, which is neutral and polar, with cysteine, which is neutral and slightly polar, at codon 181 of the EYA4 protein (p.Tyr181Cys).